The following is an entry in ClinVar:

ClinVar aggregate classification (germline): Uncertain significance (1 of 4 stars; one submission).

Submission:

Ambry Genetics
Classification: Uncertain significance. Last evaluated: 2022-04-19. Review status: criteria provided, single submitter. Criteria: Ambry Variant Classification Scheme 2023. Collection method: clinical testing. Allele origin: germline.
Comment: The p.P323S variant (also known as c.967C>T), located in coding exon 6 of the BUB3 gene, results from a C to T substitution at nucleotide position 967. The proline at codon 323 is replaced by serine, an amino acid with similar properties. This amino acid position is conserved. In addition, the in silico prediction for this alteration is inconclusive. Since supporting evidence is limited at this time, the clinical significance of this alteration remains unclear.

NM_004725.4(BUB3):c.967C>T (p.Pro323Ser)

Gene: BUB3 (BUB3 mitotic checkpoint protein; plus strand). Cytogenetic location: 10q26.13.
Variant type: single nucleotide variant.
Coding change: c.967C>T on transcript NM_004725.4 (MANE Select); coding-DNA position 967, C replaced by T.
Protein change: p.Pro323Ser; replaces proline 323 with serine.
Molecular consequence: missense variant.
Genome position (GRCh38, 1-based): chr10:123,162,824, C>T. VCF-style: chr10-123162824-C-T. GRCh37 (hg19) VCF-style: chr10-124922340-C-T.
Other names: c.967C>T, p.Pro323Ser (NM_001007793.3); short protein forms P323S.
Identifiers: ClinVar variation 1767765 (VCV001767765.3), dbSNP rs2493767398, ClinGen allele CA378627317.